The following is an entry in ClinVar:

NM_015965.7(NDUFA13):c.262C>T (p.Arg88Trp)

Gene: NDUFA13 (NADH:ubiquinone oxidoreductase subunit A13; plus strand). Cytogenetic location: 19p13.11.
Variant type: single nucleotide variant.
Coding change: c.262C>T on transcript NM_015965.7 (MANE Select); coding-DNA position 262, C replaced by T.
Protein change: p.Arg88Trp; replaces arginine 88 with tryptophan.
Molecular consequence: missense variant.
Genome position (GRCh38, 1-based): chr19:19,527,717, C>T. VCF-style: chr19-19527717-C-T. GRCh37 (hg19) VCF-style: chr19-19638526-C-T.
Other names: short protein forms R88W.
Identifiers: ClinVar variation 1982764 (VCV001982764.4), dbSNP rs151092574, ClinGen allele CA9327789.

ClinVar aggregate classification (germline): Uncertain significance. Review status: criteria provided, multiple submitters, no conflicts (2 of 4 stars). 2 submissions from 2 submitters: Uncertain significance (2). Last evaluated 2024-11-11.

Conditions:
Inborn genetic diseases. Identifiers: MedGen C0950123, MeSH D030342.

Allele frequency attached by ClinVar (database versions not stated): ESP Exome Variant Server 0.00008; gnomAD 0.00010; 1000 Genomes Project 30x 0.00016; 1000 Genomes Project 0.00020; ExAC 0.00029.

Submissions (2):

Labcorp Genetics (formerly Invitae), Labcorp
Classification: Uncertain significance. Last evaluated: 2024-11-11. Review status: criteria provided, single submitter. Criteria: Invitae Variant Classification Sherloc (09022015). Collection method: clinical testing. Allele origin: germline.
Comment: This sequence change replaces arginine, which is basic and polar, with tryptophan, which is neutral and slightly polar, at codon 88 of the NDUFA13 protein (p.Arg88Trp). This variant is present in population databases (rs151092574, gnomAD 0.2%). This variant has not been reported in the literature in individuals affected with NDUFA13-related conditions. ClinVar contains an entry for this variant (Variation ID: 1982764). An algorithm developed to predict the effect of missense changes on protein structure and function (PolyPhen-2) suggests that this variant is likely to be disruptive. In summary, the available evidence is currently insufficient to determine the role of this variant in disease. Therefore, it has been classified as a Variant of Uncertain Significance.

Ambry Genetics
Classification: Uncertain significance for Inborn genetic diseases. Last evaluated: 2022-06-10. Review status: criteria provided, single submitter. Criteria: Ambry Variant Classification Scheme 2023. Collection method: clinical testing. Allele origin: germline.